The following is an entry in ClinVar:

NM_152617.4(RNF168):c.1004C>G (p.Thr335Ser)

Gene: RNF168 (ring finger protein 168; minus strand). Cytogenetic location: 3q29.
Variant type: single nucleotide variant.
Coding change: c.1004C>G on transcript NM_152617.4 (MANE Select); coding-DNA position 1004, C replaced by G.
Protein change: p.Thr335Ser; replaces threonine 335 with serine.
Molecular consequence: missense variant.
Genome position (GRCh38, 1-based): chr3:196,472,531, G>C on the plus strand (C>G on the coding strand, the complement: RNF168 is on the minus strand). VCF-style: chr3-196472531-G-C. GRCh37 (hg19) VCF-style: chr3-196199402-G-C.
Other names: short protein forms T335S.
Identifiers: ClinVar variation 3623797 (VCV003623797.1).
Genomic context (GRCh38, chr3:196,472,531, plus strand): 5'-CACCCACTTTCTGTTCTGCCACAAGGCATAACTGCAGTTTCTTTCGAGTAGGGAACTCTG[G>C]TTTTAGGTCGCTCGTGACTTAAGACACATAACTCTTTCCCATGATTGCTTGGTCTTGTTT-3'
Protein context (NP_689830.2, residues 325-345): LCVLSHERPK[Thr335Ser]RVPYSKETAV

ClinVar aggregate classification (germline): Uncertain significance (1 of 4 stars; one submission).

gnomAD v4.1: 4 of 1,614,204 alleles (0.00025%); highest among the groups gnomAD compares: Non-Finnish European, 0.00034%; no homozygotes.

Submission:

Labcorp Genetics (formerly Invitae), Labcorp
Classification: Uncertain significance. Last evaluated: 2024-09-11. Review status: criteria provided, single submitter. Criteria: Invitae Variant Classification Sherloc (09022015). Collection method: clinical testing. Allele origin: germline.
Comment: This sequence change replaces threonine, which is neutral and polar, with serine, which is neutral and polar, at codon 335 of the RNF168 protein (p.Thr335Ser). This variant is not present in population databases (gnomAD no frequency). This variant has not been reported in the literature in individuals affected with RNF168-related conditions. An algorithm developed to predict the effect of missense changes on protein structure and function (PolyPhen-2) suggests that this variant¬†is likely to be tolerated. In summary, the available evidence is currently insufficient to determine the role of this variant in disease. Therefore, it has been classified as a Variant of Uncertain Significance.